The following is an entry in ClinVar:

ClinVar aggregate classification (germline): Benign (1 of 4 stars; one submission).

gnomAD v4.1: 38,091 of 152,082 alleles (25%); highest among the groups gnomAD compares: South Asian, 50%; 5,765 homozygotes.

Submission:

Unidad de Genómica Garrahan, Hospital de Pediatría Garrahan
Classification: Benign. Last evaluated: 2024-07-31. Review status: criteria provided, single submitter. Criteria: ACMG Guidelines, 2015. Collection method: clinical testing. Allele origin: germline. Affected: no. Observed: 38 variant alleles.
Comment: This variant is classified as Benign based on local population frequency. This variant was detected in 41% of patients studied in a panel designed for Epileptic and Developmental Encephalopathy, Progressive Myoclonus Epilepsy and Abnormal Movements and Neurodegeneration with brain iron accumulation. Number of patients: 38. Only high quality variants are reported.

NM_033453.4(ITPA):c.412-358T>C

Gene: ITPA (inosine triphosphatase; plus strand). Cytogenetic location: 20p13.
Variant type: single nucleotide variant.
Coding change: c.412-358T>C on transcript NM_033453.4 (MANE Select); 358 bases into the intron before coding-DNA position 412, T replaced by C.
Molecular consequence: intron variant.
Genome position (GRCh38, 1-based): chr20:3,221,483, T>C. VCF-style: chr20-3221483-T-C. GRCh37 (hg19) VCF-style: chr20-3202129-T-C.
Other names: c.538-358T>C (NM_001424409.1); c.75-358T>C (NM_001324237.2, NM_001324238.2, NM_001324236.2 and 1 more transcripts); c.411+2851T>C (NM_001324240.2); c.458+17T>C (NM_001424408.1); c.289-358T>C (NM_001267623.2); c.361-358T>C (NM_181493.4).
Identifiers: ClinVar variation 3256810 (VCV003256810.2).